The following is an entry in ClinVar:

NM_000179.3(MSH6):c.922G>C (p.Gly308Arg)

Gene: MSH6 (mutS homolog 6; plus strand). Cytogenetic location: 2p16.3.
Variant type: single nucleotide variant.
Coding change: c.922G>C on transcript NM_000179.3 (MANE Select); coding-DNA position 922, G replaced by C.
Protein change: p.Gly308Arg; replaces glycine 308 with arginine.
Molecular consequence: missense variant. On other transcripts: non-coding transcript variant (4), intron variant (1).
Genome position (GRCh38, 1-based): chr2:47,798,905, G>C. VCF-style: chr2-47798905-G-C. GRCh37 (hg19) VCF-style: chr2-48026044-G-C.
Other names: c.922G>C, p.Gly308Arg (NM_001406803.1, NM_001406796.1, NM_001406798.1 and 4 more transcripts); c.844G>C, p.Gly282Arg (NM_001406804.1); c.625G>C, p.Gly209Arg (NM_001406805.1, NM_001406819.1, NM_001406797.1 and 10 more transcripts); c.397G>C, p.Gly133Arg (NM_001406806.1, NM_001406807.1, NM_001406799.1); c.532G>C, p.Gly178Arg (NM_001281492.2); c.16G>C, p.Gly6Arg (NM_001281493.2, NM_001281494.2, NM_001406823.1 and 6 more transcripts); c.1018G>C, p.Gly340Arg (NM_001406795.1, NM_001406802.1); c.754G>C, p.Gly252Arg (NM_001406826.1); and 2 more; short protein forms G133R, G340R, G178R, G209R, G252R, G282R, G308R, G310R.
Identifiers: ClinVar variation 3693087 (VCV003693087.2).

ClinVar aggregate classification (germline): Uncertain significance (1 of 4 stars; one submission).

Conditions:
Hereditary nonpolyposis colorectal neoplasms. Identifiers: MedGen C0009405, MeSH D003123.

Submission:

Labcorp Genetics (formerly Invitae), Labcorp
Classification: Uncertain significance for Hereditary nonpolyposis colorectal neoplasms. Last evaluated: 2024-10-02. Review status: criteria provided, single submitter. Criteria: Invitae Variant Classification Sherloc (09022015). Collection method: clinical testing. Allele origin: germline.
Comment: This sequence change replaces glycine, which is neutral and non-polar, with arginine, which is basic and polar, at codon 308 of the MSH6 protein (p.Gly308Arg). This variant is not present in population databases (gnomAD no frequency). This variant has not been reported in the literature in individuals affected with MSH6-related conditions. Invitae Evidence Modeling of protein sequence and biophysical properties (such as structural, functional, and spatial information, amino acid conservation, physicochemical variation, residue mobility, and thermodynamic stability) indicates that this missense variant is not expected to disrupt MSH6 protein function with a negative predictive value of 95%. In summary, the available evidence is currently insufficient to determine the role of this variant in disease. Therefore, it has been classified as a Variant of Uncertain Significance.